The following is an entry in ClinVar:

ClinVar aggregate classification (germline): Uncertain significance (1 of 4 stars; one submission).

Allele frequency attached by ClinVar (database versions not stated): ExAC 0.00001.

Submission:

Labcorp Genetics (formerly Invitae), Labcorp
Classification: Uncertain significance. Last evaluated: 2022-07-09. Review status: criteria provided, single submitter. Criteria: Invitae Variant Classification Sherloc (09022015). Collection method: clinical testing. Allele origin: germline.
Comment: This sequence change replaces valine, which is neutral and non-polar, with leucine, which is neutral and non-polar, at codon 608 of the SAMD11 protein (p.Val608Leu). This variant is present in population databases (rs754890241, gnomAD 0.003%). This variant has not been reported in the literature in individuals affected with SAMD11-related conditions. Algorithms developed to predict the effect of missense changes on protein structure and function output the following: SIFT: "Tolerated"; PolyPhen-2: "Benign"; Align-GVGD: "Class C0". The leucine amino acid residue is found in multiple mammalian species, which suggests that this missense change does not adversely affect protein function. In summary, the available evidence is currently insufficient to determine the role of this variant in disease. Therefore, it has been classified as a Variant of Uncertain Significance.

NM_001385641.1(SAMD11):c.2311G>C (p.Val771Leu)

Gene: SAMD11 (sterile alpha motif domain containing 11; plus strand). Cytogenetic location: 1p36.33.
Variant type: single nucleotide variant.
Coding change: c.2311G>C on transcript NM_001385641.1 (MANE Select); coding-DNA position 2311, G replaced by C.
Protein change: p.Val771Leu; replaces valine 771 with leucine.
Molecular consequence: missense variant.
Genome position (GRCh38, 1-based): chr1:943,929, G>C. VCF-style: chr1-943929-G-C. GRCh37 (hg19) VCF-style: chr1-879309-G-C.
Other names: c.2314G>C, p.Val772Leu (NM_001385640.1); c.1822G>C, p.Val608Leu (NM_152486.4); short protein forms V771L, V608L, V772L.
Identifiers: ClinVar variation 2004591 (VCV002004591.1), dbSNP rs754890241, ClinGen allele CA503330.